The following is an entry in ClinVar:

ClinVar aggregate classification (germline): Pathogenic (1 of 4 stars; one submission).

Submission:

Labcorp Genetics (formerly Invitae), Labcorp
Classification: Pathogenic. Last evaluated: 2021-02-01. Review status: criteria provided, single submitter. Criteria: Invitae Variant Classification Sherloc (09022015). Collection method: clinical testing. Allele origin: germline.
Comment: This variant is not present in population databases (ExAC no frequency). For these reasons, this variant has been classified as Pathogenic. This variant has not been reported in the literature in individuals with DUOX2-related conditions. This sequence change creates a premature translational stop signal (p.Glu917Glyfs*16) in the DUOX2 gene. It is expected to result in an absent or disrupted protein product. Loss-of-function variants in DUOX2 are known to be pathogenic (PMID: 12110737, 18765513, 21565790, 24423310, 24735383).

Literature cited by the submitters: PubMed 12110737; PubMed 18765513; PubMed 21565790; PubMed 24423310; PubMed 24735383.

NM_001363711.2(DUOX2):c.2749dup (p.Glu917fs)

Gene: DUOX2 (dual oxidase 2; minus strand). Cytogenetic location: 15q21.1.
Variant type: Duplication.
Coding change: c.2749dup on transcript NM_001363711.2 (MANE Select); coding-DNA position 2749, one base duplicated (G; older notation c.2749dupG).
Protein change: p.Glu917fs; shifts the reading frame from glutamic acid 917.
Molecular consequence: frameshift variant.
Genome position (GRCh38, 1-based): chr15:45,101,895, C duplicated on the plus strand (G on the coding strand, the reverse complement: DUOX2 is on the minus strand); the first of 2 consecutive C bases (chr15:45,101,895-45,101,896); duplicating either gives the same sequence. VCF-style (leftmost placement, unchanged base first): chr15-45101894-T-TC. GRCh37 (hg19) VCF-style: chr15-45394092-T-TC.
Other names: c.2749dup, p.Glu917fs (NM_014080.5); short protein forms E917fs.
Identifiers: ClinVar variation 1378081 (VCV001378081.6), dbSNP rs2141146617, ClinGen allele CA2573150891.